The following is an entry in ClinVar:

NM_005051.3(QARS1):c.1946A>G (p.His649Arg)

Gene: QARS1 (glutaminyl-tRNA synthetase 1; minus strand). Cytogenetic location: 3p21.31.
Variant type: single nucleotide variant.
Coding change: c.1946A>G on transcript NM_005051.3 (MANE Select); coding-DNA position 1946, A replaced by G.
Protein change: p.His649Arg; replaces histidine 649 with arginine.
Molecular consequence: missense variant. On other transcripts: non-coding transcript variant (1).
Genome position (GRCh38, 1-based): chr3:49,098,610, T>C on the plus strand (A>G on the coding strand, the complement: QARS1 is on the minus strand). VCF-style: chr3-49098610-T-C. GRCh37 (hg19) VCF-style: chr3-49136043-T-C.
Other names: c.1913A>G, p.His638Arg (NM_001272073.2); short protein forms H649R, H638R.
Identifiers: ClinVar variation 1471517 (VCV001471517.8), dbSNP rs2107096780, ClinGen allele CA352699900.

ClinVar aggregate classification (germline): Uncertain significance (1 of 4 stars; one submission).

Conditions:
Diffuse cerebral and cerebellar atrophy - intractable seizures - progressive microcephaly syndrome. Also called: Microcephaly, progressive, with seizures and cerebral and cerebellar atrophy. Identifiers: Orphanet 404437, MedGen C4014239, MONDO:0014335, OMIM 615760.

Submission:

Labcorp Genetics (formerly Invitae), Labcorp
Classification: Uncertain significance for Diffuse cerebral and cerebellar atrophy - intractable seizures - progressive microcephaly syndrome. Last evaluated: 2022-06-27. Review status: criteria provided, single submitter. Criteria: Invitae Variant Classification Sherloc (09022015). Collection method: clinical testing. Allele origin: germline.
Comment: In summary, the available evidence is currently insufficient to determine the role of this variant in disease. Therefore, it has been classified as a Variant of Uncertain Significance. Algorithms developed to predict the effect of missense changes on protein structure and function output the following: SIFT: "Tolerated"; PolyPhen-2: "Benign"; Align-GVGD: "Class C0". The arginine amino acid residue is found in multiple mammalian species, which suggests that this missense change does not adversely affect protein function. This variant has not been reported in the literature in individuals affected with QARS-related conditions. This variant is not present in population databases (gnomAD no frequency). This sequence change replaces histidine, which is basic and polar, with arginine, which is basic and polar, at codon 649 of the QARS protein (p.His649Arg).